The following is an entry in ClinVar:

NM_000245.4(MET):c.125A>C (p.Gln42Pro)

Gene: MET (MET proto-oncogene, receptor tyrosine kinase; plus strand). Cytogenetic location: 7q31.2.
Variant type: single nucleotide variant.
Coding change: c.125A>C on transcript NM_000245.4 (MANE Select); coding-DNA position 125, A replaced by C.
Protein change: p.Gln42Pro; replaces glutamine 42 with proline.
Molecular consequence: missense variant. On other transcripts: intron variant (1).
Genome position (GRCh38, 1-based): chr7:116,699,209, A>C. VCF-style: chr7-116699209-A-C. GRCh37 (hg19) VCF-style: chr7-116339263-A-C.
Other names: c.125A>C, p.Gln42Pro (NM_001127500.3, NM_001324401.3); c.-91+26632A>C (NM_001324402.2); short protein forms Q42P.
Identifiers: ClinVar variation 4859979 (VCV004859979.1).
Genomic context (GRCh38, chr7:116,699,209, plus strand): 5'-GCAATGGGGAGTGTAAAGAGGCACTAGCAAAGTCCGAGATGAATGTGAATATGAAGTATC[A>C]GCTTCCCAACTTCACCGCGGAAACACCCATCCAGAATGTCATTCTACATGAGCATCACAT-3'
Protein context (NP_000236.2, residues 32-52): KSEMNVNMKY[Gln42Pro]LPNFTAETPI

ClinVar aggregate classification (germline): Uncertain significance (1 of 4 stars; one submission).

Conditions:
Hereditary cancer-predisposing syndrome. Also called: Neoplastic Syndromes, Hereditary; Tumor predisposition; Hereditary Cancer Syndrome; Hereditary neoplastic syndrome. Identifiers: Orphanet 140162, MedGen C0027672, MeSH D009386, MONDO:0015356.

Submission:

Ambry Genetics
Classification: Uncertain significance for Hereditary cancer-predisposing syndrome. Last evaluated: 2026-05-01. Review status: criteria provided, single submitter. Criteria: Ambry Variant Classification Scheme 2023. Collection method: clinical testing. Allele origin: germline.
Comment: The p.Q42P variant (also known as c.125A>C), located in coding exon 1 of the MET gene, results from an A to C substitution at nucleotide position 125. The glutamine at codon 42 is replaced by proline, an amino acid with similar properties. This amino acid position is conserved. In addition, this alteration is predicted to be tolerated by in silico analysis. Based on the available evidence, the clinical significance of this variant remains unclear.